The following is an entry in ClinVar:

ClinVar aggregate classification (germline): Uncertain significance (1 of 4 stars; one submission).

Allele frequency attached by ClinVar (database versions not stated): gnomAD exomes below 0.00001.
gnomAD v4.1: 1 of 1,614,084 alleles (0.000062%); highest among the groups gnomAD compares: Middle Eastern, 0.016%; no homozygotes.

Submission:

Labcorp Genetics (formerly Invitae), Labcorp
Classification: Uncertain significance. Last evaluated: 2020-07-20. Review status: criteria provided, single submitter. Criteria: Invitae Variant Classification Sherloc (09022015). Collection method: clinical testing. Allele origin: germline.
Comment: This sequence change replaces lysine with arginine at codon 250 of the FAM161A protein (p.Lys250Arg). The lysine residue is moderately conserved and there is a small physicochemical difference between lysine and arginine. In summary, the available evidence is currently insufficient to determine the role of this variant in disease. Therefore, it has been classified as a Variant of Uncertain Significance. Algorithms developed to predict the effect of missense changes on protein structure and function output the following: SIFT: "Tolerated"; PolyPhen-2: "Benign"; Align-GVGD: "Class C0". The arginine amino acid residue is found in multiple mammalian species, suggesting that this missense change does not adversely affect protein function. These predictions have not been confirmed by published functional studies and their clinical significance is uncertain. This variant has not been reported in the literature in individuals with FAM161A-related conditions. This variant is not present in population databases (ExAC no frequency).

NM_001201543.2(FAM161A):c.749A>G (p.Lys250Arg)

Gene: FAM161A (FAM161 centrosomal protein A; minus strand). Cytogenetic location: 2p15.
Variant type: single nucleotide variant.
Coding change: c.749A>G on transcript NM_001201543.2 (MANE Select); coding-DNA position 749, A replaced by G.
Protein change: p.Lys250Arg; replaces lysine 250 with arginine.
Molecular consequence: missense variant. On other transcripts: non-coding transcript variant (1).
Genome position (GRCh38, 1-based): chr2:61,840,255, T>C on the plus strand (A>G on the coding strand, the complement: FAM161A is on the minus strand). VCF-style: chr2-61840255-T-C. GRCh37 (hg19) VCF-style: chr2-62067390-T-C.
Other names: c.749A>G, p.Lys250Arg (NM_032180.3); short protein forms K250R.
Identifiers: ClinVar variation 1008053 (VCV001008053.8), dbSNP rs1672965676, ClinGen allele CA346988433.